The following is an entry in ClinVar:

ClinVar aggregate classification (germline): Likely pathogenic (1 of 4 stars; one submission).

Conditions:
Coffin-Lowry syndrome (CLS). Also called: Mental retardation with osteocartilaginous abnormalities; COFFIN-LOWRY SYNDROME, MILD. Identifiers: Orphanet 192, MedGen C0265252, MONDO:0010561, OMIM 303600.
Intellectual developmental disorder, X-linked 19. Also called: Intellectual disability, X-linked 19. Identifiers: Orphanet 777, MedGen C0796225, MONDO:0010447, OMIM 300844.

Submission:

3billion
Classification: Likely pathogenic for Intellectual developmental disorder, X-linked 19; Coffin-Lowry syndrome. Last evaluated: 2024-02-24. Review status: criteria provided, single submitter. Criteria: ACMG Guidelines, 2015. Collection method: clinical testing. Allele origin: germline. Affected: yes.
Comment: The variant is not observed in the gnomAD v2.1.1 dataset. Predicted Consequence/Location: Frameshift: predicted to result in a loss or disruption of normal protein function through nonsense-mediated decay (NMD) or protein truncation. Multiple pathogenic variants are reported downstream of the variant. Therefore, this variant is classified as Likely pathogenic according to the recommendation of ACMG/AMP guideline.

NM_004586.3(RPS6KA3):c.2030del (p.Pro677fs)

Gene: RPS6KA3 (ribosomal protein S6 kinase A3; minus strand). Cytogenetic location: Xp22.12.
Variant type: Deletion.
Coding change: c.2030del on transcript NM_004586.3 (MANE Select); coding-DNA position 2030, one base deleted (C; older notation c.2030delC).
Protein change: p.Pro677fs; shifts the reading frame from proline 677.
Molecular consequence: frameshift variant.
Genome position (GRCh38, 1-based): chrX:20,156,179, G deleted on the plus strand (C on the coding strand, the reverse complement: RPS6KA3 is on the minus strand); the first of 2 consecutive G bases (chrX:20,156,179-20,156,180); deleting either gives the same sequence. VCF-style (leftmost placement, unchanged base first): chrX-20156178-AG-A. GRCh37 (hg19) VCF-style: chrX-20174296-AG-A.
Other names: short protein forms P677fs.
Identifiers: ClinVar variation 3775362 (VCV003775362.1).